The following is an entry in ClinVar:

ClinVar aggregate classification (germline): Uncertain significance. Review status: criteria provided, multiple submitters, no conflicts (2 of 4 stars). 3 submissions from 3 submitters: Uncertain significance (3). Last evaluated 2025-03-18.

Conditions:
Hereditary cancer-predisposing syndrome. Also called: Hereditary neoplastic syndrome; Neoplastic Syndromes, Hereditary; Tumor predisposition; Hereditary Cancer Syndrome. Identifiers: Orphanet 140162, MedGen C0027672, MeSH D009386, MONDO:0015356.
Familial cancer of breast. Also called: Hereditary breast cancer; hereditary breast carcinoma; BREAST CANCER, FAMILIAL. Identifiers: Orphanet 227535, MedGen C0346153, MONDO:0016419, OMIM 114480. Disease mechanism: loss of function.

Allele frequency attached by ClinVar (database versions not stated): TOPMed below 0.00001.

Submissions (3):

Labcorp Genetics (formerly Invitae), Labcorp
Classification: Uncertain significance for Familial cancer of breast. Last evaluated: 2025-03-18. Review status: criteria provided, single submitter. Criteria: Invitae Variant Classification Sherloc (09022015). Collection method: clinical testing. Allele origin: germline.
Comment: This sequence change replaces aspartic acid, which is acidic and polar, with histidine, which is basic and polar, at codon 461 of the CHEK2 protein (p.Asp461His). This variant is not present in population databases (gnomAD no frequency). This variant has not been reported in the literature in individuals affected with CHEK2-related conditions. ClinVar contains an entry for this variant (Variation ID: 1004989). An algorithm developed to predict the effect of missense changes on protein structure and function (PolyPhen-2) suggests that this variant is likely to be disruptive. In summary, the available evidence is currently insufficient to determine the role of this variant in disease. Therefore, it has been classified as a Variant of Uncertain Significance.

Baylor Genetics
Classification: Uncertain significance for Familial cancer of breast. Last evaluated: 2023-12-27. Review status: criteria provided, single submitter. Criteria: ACMG Guidelines, 2015. Collection method: clinical testing. Allele origin: unknown.

Ambry Genetics
Classification: Uncertain significance for Hereditary cancer-predisposing syndrome. Last evaluated: 2021-03-23. Review status: criteria provided, single submitter. Criteria: Ambry Variant Classification Scheme 2023. Collection method: clinical testing. Allele origin: germline.
Comment: The p.D461H variant (also known as c.1381G>C), located in coding exon 12 of the CHEK2 gene, results from a G to C substitution at nucleotide position 1381. The aspartic acid at codon 461 is replaced by histidine, an amino acid with similar properties. This amino acid position is highly conserved in available vertebrate species. In addition, this alteration is predicted to be deleterious by in silico analysis. Since supporting evidence is limited at this time, the clinical significance of this alteration remains unclear.

NM_007194.4(CHEK2):c.1381G>C (p.Asp461His)

Gene: CHEK2 (checkpoint kinase 2; minus strand). Cytogenetic location: 22q12.1.
Variant type: single nucleotide variant.
Coding change: c.1381G>C on transcript NM_007194.4 (MANE Select); coding-DNA position 1381, G replaced by C.
Protein change: p.Asp461His; replaces aspartic acid 461 with histidine.
Molecular consequence: missense variant.
Genome position (GRCh38, 1-based): chr22:28,694,112, C>G on the plus strand (G>C on the coding strand, the complement: CHEK2 is on the minus strand). VCF-style: chr22-28694112-C-G. GRCh37 (hg19) VCF-style: chr22-29090100-C-G.
Other names: c.1510G>C, p.Asp504His (NM_001005735.3); c.718G>C, p.Asp240His (NM_001257387.3); c.1180G>C, p.Asp394His (NM_001349956.3); c.1294G>C, p.Asp432His (NM_145862.3); short protein forms D240H, D394H, D432H, D461H, D504H.
Identifiers: ClinVar variation 1004989 (VCV001004989.13), dbSNP rs2052473783, ClinGen allele CA411094538.